The following is an entry in ClinVar:

NM_000540.3(RYR1):c.13358G>T (p.Gly4453Val)

Gene: RYR1 (ryanodine receptor 1; plus strand). Cytogenetic location: 19q13.2.
Variant type: single nucleotide variant.
Coding change: c.13358G>T on transcript NM_000540.3 (MANE Select); coding-DNA position 13358, G replaced by T.
Protein change: p.Gly4453Val; replaces glycine 4453 with valine.
Molecular consequence: missense variant.
Genome position (GRCh38, 1-based): chr19:38,565,692, G>T. VCF-style: chr19-38565692-G-T. GRCh37 (hg19) VCF-style: chr19-39056332-G-T.
Other names: c.13343G>T, p.Gly4448Val (NM_001042723.2); short protein forms G4448V, G4453V.
Identifiers: ClinVar variation 3071449 (VCV003071449.1), dbSNP rs1973385997, ClinGen allele CA405675220.
Genomic context (GRCh38, chr19:38,565,692, plus strand): 5'-GTGCCGACGGGGCGGTGGCCGTGACCGATGGGGGCCCCTTCCGGCCCGAAGGGGCTGGCG[G>T]TCTCGGGGACATGGGGGACACGACGCCTGCGGAACCGCCCACACCCGAGGGCTCTCCCAT-3'
Protein context (NP_000531.2, residues 4443-4463): GGPFRPEGAG[Gly4453Val]LGDMGDTTPA

ClinVar aggregate classification (germline): Uncertain significance (1 of 4 stars; one submission).

Conditions:
Malignant hyperthermia, susceptibility to, 1 (MHS1). Also called: Anesthesia related hyperthermia; Malignant hyperpyrexia; Fulminating hyperpyrexia; Pharmacogenic myopathy; RYR1-Related Malignant Hyperthermia Susceptibility; Malignant hyperthermia suceptibility 1. Identifiers: Orphanet 423, MedGen C2930980, MONDO:0007783, OMIM 145600.

Allele frequency attached by ClinVar (database versions not stated): gnomAD 0.00001.
gnomAD v4.1: 6 of 1,414,290 alleles (0.00042%); highest among the groups gnomAD compares: Non-Finnish European, 0.00055%; no homozygotes.

Submission:

All of Us Research Program, National Institutes of Health
Classification: Uncertain significance for Malignant hyperthermia, susceptibility to, 1. Last evaluated: 2023-06-27. Review status: criteria provided, single submitter. Criteria: ACMG Guidelines, 2015. Collection method: clinical testing. Allele origin: germline. Inheritance: Autosomal dominant inheritance. Observed: 1 variant allele, 1 heterozygote.
Comment: This study involves interpretation of variants in research participants for the purpose of population health screening. Participant phenotype was not available at the time of variant classification. Additional details can be found in publication PMID: 35346344, PMCID: PMC8962531